The following is an entry in ClinVar:

ClinVar aggregate classification (germline): Pathogenic/Likely pathogenic. Review status: criteria provided, multiple submitters, no conflicts (2 of 4 stars). 2 submissions from 2 submitters: Pathogenic (1); Likely pathogenic (1). Last evaluated 2024-02-25.

Conditions:
Nemaline myopathy 2 (NEM2). Also called: Nemaline myopathy 2, autosomal recessive. Identifiers: MedGen C1850569, MONDO:0009725, OMIM 256030.
Arthrogryposis multiplex congenita 6. Identifiers: MedGen C5543431, MONDO:0030281, OMIM 619334.

Allele frequency attached by ClinVar (database versions not stated): TOPMed 0.00002.

Submissions (2):

Labcorp Genetics (formerly Invitae), Labcorp
Classification: Pathogenic for Nemaline myopathy 2. Last evaluated: 2024-02-25. Review status: criteria provided, single submitter. Criteria: Invitae Variant Classification Sherloc (09022015). Collection method: clinical testing. Allele origin: germline.
Comment: This sequence change creates a premature translational stop signal (p.Lys1342Glufs*19) in the NEB gene. It is expected to result in an absent or disrupted protein product. Loss-of-function variants in NEB are known to be pathogenic (PMID: 25205138). This variant is not present in population databases (gnomAD no frequency). This variant has not been reported in the literature in individuals affected with NEB-related conditions. For these reasons, this variant has been classified as Pathogenic.

Baylor Genetics
Classification: Likely pathogenic for Arthrogryposis multiplex congenita 6. Last evaluated: 2023-02-02. Review status: criteria provided, single submitter. Criteria: ACMG Guidelines, 2015. Collection method: clinical testing. Allele origin: unknown.

Literature cited by the submitters: PubMed 25205138 (cited by Labcorp Genetics (formerly Invitae), Labcorp).

NM_001164508.2(NEB):c.4022_4023dup (p.Lys1342fs)

Gene: NEB (nebulin; minus strand). Cytogenetic location: 2q23.3.
Variant type: Duplication.
Coding change: c.4022_4023dup on transcript NM_001164508.2 (MANE Select); coding-DNA positions 4022 to 4023, 2 bases duplicated (GA; older notation c.4022_4023dupGA).
Protein change: p.Lys1342fs; shifts the reading frame from lysine 1342.
Molecular consequence: frameshift variant.
Genome position (GRCh38, 1-based): chr2:151,672,645-151,672,646, TC duplicated on the plus strand (GA on the coding strand, the reverse complement: NEB is on the minus strand). VCF-style (leftmost placement, unchanged base first): chr2-151672644-T-TTC. GRCh37 (hg19) VCF-style: chr2-152529158-T-TTC.
Other names: c.4022_4023dup, p.Lys1342fs (NM_001164507.2, NM_001271208.2, NM_004543.5); short protein forms K1342fs.
Identifiers: ClinVar variation 2677140 (VCV002677140.3), dbSNP rs1406807952, ClinGen allele CA758912554.
Genomic context (GRCh38, chr2:151,672,644, plus strand): 5'-CCACATTCATATAGTGGACCAGCTTGGGATCATCCTGGAGGCTTCTGAAACCCACATGCT[T>TTC]TCCCTTTGACTTCTCATAAGCTTCCTTGTATTTATACTGTGGAGGCAGAATTGGGTTAGC-3'